The following is an entry in ClinVar:

NM_000282.4(PCCA):c.958G>A (p.Ala320Thr)

Gene: PCCA (propionyl-CoA carboxylase subunit alpha; plus strand). Cytogenetic location: 13q32.3.
Variant type: single nucleotide variant.
Coding change: c.958G>A on transcript NM_000282.4 (MANE Select); coding-DNA position 958, G replaced by A.
Protein change: p.Ala320Thr; replaces alanine 320 with threonine.
Molecular consequence: missense variant. On other transcripts: non-coding transcript variant (5).
Genome position (GRCh38, 1-based): chr13:100,273,239, G>A. VCF-style: chr13-100273239-G-A. GRCh37 (hg19) VCF-style: chr13-100925493-G-A.
Other names: c.880G>A, p.Ala294Thr (NM_001127692.3, NM_001352607.2, NM_001352608.2); c.958G>A, p.Ala320Thr (NM_001178004.2, NM_001352605.2, NM_001352606.2 and 1 more transcripts); c.13G>A, p.Ala5Thr (NM_001352610.2, NM_001352611.2, NM_001352612.2); short protein forms A294T, A320T, A5T.
Identifiers: ClinVar variation 1412833 (VCV001412833.5), dbSNP rs1434912184, ClinGen allele CA388694761.

ClinVar aggregate classification (germline): Uncertain significance (1 of 4 stars; one submission).

Conditions:
Propionic acidemia (PROP). Also called: KETOTIC HYPERGLYCINEMIA; GLYCINEMIA, KETOTIC; HYPERGLYCINEMIA WITH KETOACIDOSIS AND LEUKOPENIA. Identifiers: Orphanet 35, MedGen C0268579, MONDO:0011628, OMIM 606054, HP:0003571.

Allele frequency attached by ClinVar (database versions not stated): gnomAD exomes below 0.00001.

Submission:

Labcorp Genetics (formerly Invitae), Labcorp
Classification: Uncertain significance for Propionic acidemia. Last evaluated: 2021-08-26. Review status: criteria provided, single submitter. Criteria: Invitae Variant Classification Sherloc (09022015). Collection method: clinical testing. Allele origin: germline.
Comment: This sequence change replaces alanine with threonine at codon 320 of the PCCA protein (p.Ala320Thr). The alanine residue is highly conserved and there is a small physicochemical difference between alanine and threonine. This variant is not present in population databases (ExAC no frequency). This variant has not been reported in the literature in individuals affected with PCCA-related conditions. Algorithms developed to predict the effect of missense changes on protein structure and function are either unavailable or do not agree on the potential impact of this missense change (SIFT: "Deleterious"; PolyPhen-2: "Probably Damaging"; Align-GVGD: "Class C0"). In summary, the available evidence is currently insufficient to determine the role of this variant in disease. Therefore, it has been classified as a Variant of Uncertain Significance.